The following is an entry in ClinVar:

ClinVar aggregate classification (germline): Uncertain significance (1 of 4 stars; one submission).

Submission:

Dasa
Classification: Uncertain significance. Last evaluated: 2025-11-28. Review status: criteria provided, single submitter. Criteria: DASA Assertion Criteria. Collection method: clinical testing. Allele origin: germline.
Comment: NM_016604.4(KDM3B):c.512A>G (p.His171Arg) is a missense variant that results in the substitution of histidine with arginine. This variant is rare in population databases. Computational prediction algorithms are consistent with a benign effect. The currently available literature and clinical evidence are not sufficient to establish a definitive association between this variant and the reported condition. Therefore, this variant is classified as a variant of uncertain significance.

NM_016604.4(KDM3B):c.512A>G (p.His171Arg)

Gene: KDM3B (lysine demethylase 3B; plus strand). Cytogenetic location: 5q31.2.
Variant type: single nucleotide variant.
Coding change: c.512A>G on transcript NM_016604.4 (MANE Select); coding-DNA position 512, A replaced by G.
Protein change: p.His171Arg; replaces histidine 171 with arginine.
Molecular consequence: missense variant.
Genome position (GRCh38, 1-based): chr5:138,377,757, A>G. VCF-style: chr5-138377757-A-G. GRCh37 (hg19) VCF-style: chr5-137713446-A-G.
Other names: short protein forms H171R.
Identifiers: ClinVar variation 4886715 (VCV004886715.2).
Genomic context (GRCh38, chr5:138,377,757, plus strand): 5'-TTTTCTTCTTTTATCTTTACCAGATGGGAACAGATAGCCAAAACCAGATTCTTTTGGAAC[A>G]TGCTGCACTGAGAGAAACAGTTAATGCTTTGATCAGTGACCAAAAGCTACAAGAGATATT-3'
Protein context (NP_057688.3, residues 161-181): TDSQNQILLE[His171Arg]AALRETVNAL